The following is an entry in ClinVar:

ClinVar aggregate classification (germline): Uncertain significance (1 of 4 stars; one submission).

Submission:

GeneDx
Classification: Uncertain significance. Last evaluated: 2023-01-10. Review status: criteria provided, single submitter. Criteria: GeneDx Variant Classification Process June 2021. Collection method: clinical testing. Allele origin: germline. Affected: yes.
Comment: Has not been previously published as pathogenic or benign to our knowledge; Not observed at significant frequency in large population cohorts (gnomAD); In silico analysis supports that this missense variant has a deleterious effect on protein structure/function

NM_001365276.2(TNXB):c.8855A>G (p.Glu2952Gly)

Gene: TNXB (tenascin XB; minus strand). Cytogenetic location: 6p21.33.
Variant type: single nucleotide variant.
Coding change: c.8855A>G on transcript NM_001365276.2 (MANE Select); coding-DNA position 8855, A replaced by G.
Protein change: p.Glu2952Gly; replaces glutamic acid 2952 with glycine.
Molecular consequence: missense variant.
Genome position (GRCh38, 1-based): chr6:32,052,930, T>C on the plus strand (A>G on the coding strand, the complement: TNXB is on the minus strand). VCF-style: chr6-32052930-T-C. GRCh37 (hg19) VCF-style: chr6-32020707-T-C.
Other names: c.8849A>G, p.Glu2950Gly (NM_019105.8); short protein forms E2950G, E2952G.
Identifiers: ClinVar variation 2571971 (VCV002571971.1), dbSNP rs2483447973, ClinGen allele CA363545651.